The following is an entry in ClinVar:

ClinVar aggregate classification (germline): Uncertain significance (1 of 4 stars; one submission).

Conditions:
Ullrich congenital muscular dystrophy 2 (UCMD2). Identifiers: Orphanet 75840, MedGen C4225314, MONDO:0014654, OMIM 616470.
Bethlem myopathy 2 (BTHLM2). Identifiers: Orphanet 536516, Orphanet 610, MedGen C4225313, MONDO:0034022, OMIM 616471.

Allele frequency attached by ClinVar (database versions not stated): gnomAD 0.00001.

Submission:

Labcorp Genetics (formerly Invitae), Labcorp
Classification: Uncertain significance for Bethlem myopathy 2; Ullrich congenital muscular dystrophy 2. Last evaluated: 2022-06-10. Review status: criteria provided, single submitter. Criteria: Invitae Variant Classification Sherloc (09022015). Collection method: clinical testing. Allele origin: germline.
Comment: In summary, the available evidence is currently insufficient to determine the role of this variant in disease. Therefore, it has been classified as a Variant of Uncertain Significance. Algorithms developed to predict the effect of missense changes on protein structure and function are either unavailable or do not agree on the potential impact of this missense change (SIFT: "Deleterious"; PolyPhen-2: "Probably Damaging"; Align-GVGD: "Class C0"). This variant has not been reported in the literature in individuals affected with COL12A1-related conditions. This variant is not present in population databases (gnomAD no frequency). This sequence change replaces proline, which is neutral and non-polar, with glutamine, which is neutral and polar, at codon 27 of the COL12A1 protein (p.Pro27Gln).

NM_004370.6(COL12A1):c.80C>A (p.Pro27Gln)

Gene: COL12A1 (collagen type XII alpha 1 chain; minus strand). Cytogenetic location: 6q13.
Variant type: single nucleotide variant.
Coding change: c.80C>A on transcript NM_004370.6 (MANE Select); coding-DNA position 80, C replaced by A.
Protein change: p.Pro27Gln; replaces proline 27 with glutamine.
Molecular consequence: missense variant. On other transcripts: intron variant (1).
Genome position (GRCh38, 1-based): chr6:75,194,941, G>T on the plus strand (C>A on the coding strand, the complement: COL12A1 is on the minus strand). VCF-style: chr6-75194941-G-T. GRCh37 (hg19) VCF-style: chr6-75904657-G-T.
Other names: c.73+7779C>A (NM_080645.3); short protein forms P27Q.
Identifiers: ClinVar variation 2071686 (VCV002071686.4), dbSNP rs1159718327, ClinGen allele CA364732248.